The following is an entry in ClinVar:

ClinVar aggregate classification (germline): Uncertain significance (1 of 4 stars; one submission).

Conditions:
Naxos disease (NXD). Also called: KERATOSIS PALMOPLANTARIS WITH ARRHYTHMOGENIC CARDIOMYOPATHY; MAL DE NAXOS; PALMOPLANTAR KERATODERMA WITH ARRHYTHMOGENIC RIGHT VENTRICULAR CARDIOMYOPATHY AND WOOLLY HAIR; WOOLLY HAIR, PALMOPLANTAR KERATODERMA, AND CARDIAC ABNORMALITIES; CARDIOMYOPATHY, ARRHYTHMOGENIC RIGHT VENTRICULAR, WITH SKIN, HAIR, AND NAIL ABNORMALITIES. Identifiers: Orphanet 34217, MedGen C1832600, MONDO:0011017, OMIM 601214.
Arrhythmogenic right ventricular dysplasia 12. Also called: ARRHYTHMOGENIC RIGHT VENTRICULAR DYSPLASIA, FAMILIAL, 12. Identifiers: MedGen C1969081, MONDO:0012684, OMIM 611528.

Submission:

Labcorp Genetics (formerly Invitae), Labcorp
Classification: Uncertain significance for Arrhythmogenic right ventricular dysplasia 12; Naxos disease. Last evaluated: 2024-05-18. Review status: criteria provided, single submitter. Criteria: Invitae Variant Classification Sherloc (09022015). Collection method: clinical testing. Allele origin: germline.
Comment: This sequence change replaces leucine, which is neutral and non-polar, with histidine, which is basic and polar, at codon 672 of the JUP protein (p.Leu672His). This variant is not present in population databases (gnomAD no frequency). This variant has not been reported in the literature in individuals affected with JUP-related conditions. An algorithm developed to predict the effect of missense changes on protein structure and function (PolyPhen-2) suggests that this variant is likely to be disruptive. In summary, the available evidence is currently insufficient to determine the role of this variant in disease. Therefore, it has been classified as a Variant of Uncertain Significance.

NM_002230.4(JUP):c.2015T>A (p.Leu672His)

Gene: JUP (junction plakoglobin; minus strand). Cytogenetic location: 17q21.2.
Variant type: single nucleotide variant.
Coding change: c.2015T>A on transcript NM_002230.4 (MANE Select); coding-DNA position 2015, T replaced by A.
Protein change: p.Leu672His; replaces leucine 672 with histidine.
Molecular consequence: missense variant.
Genome position (GRCh38, 1-based): chr17:41,757,446, A>T on the plus strand (T>A on the coding strand, the complement: JUP is on the minus strand). VCF-style: chr17-41757446-A-T. GRCh37 (hg19) VCF-style: chr17-39913698-A-T.
Other names: c.2015T>A, p.Leu672His (NM_001352773.2, NM_001352774.2, NM_001352775.2 and 3 more transcripts); short protein forms L672H.
Identifiers: ClinVar variation 3756408 (VCV003756408.2).